The following is an entry in ClinVar:

ClinVar aggregate classification (germline): Uncertain significance. Review status: criteria provided, multiple submitters, no conflicts (2 of 4 stars). 3 submissions from 3 submitters: Uncertain significance (3). Last evaluated 2025-12-05.

Allele frequency attached by ClinVar (database versions not stated): gnomAD 0.00002; gnomAD exomes 0.00002; TOPMed 0.00003; ESP Exome Variant Server 0.00008.
gnomAD v4.1: 24 of 1,601,070 alleles (0.0015%); highest among the groups gnomAD compares: Non-Finnish European, 0.0019%; no homozygotes.

Submissions (3):

Labcorp Genetics (formerly Invitae), Labcorp
Classification: Uncertain significance. Last evaluated: 2025-12-05. Review status: criteria provided, single submitter. Criteria: Invitae Variant Classification Sherloc (09022015). Collection method: clinical testing. Allele origin: germline.
Comment: This sequence change replaces leucine, which is neutral and non-polar, with histidine, which is basic and polar, at codon 299 of the ZNF513 protein (p.Leu299His). This variant is present in population databases (rs377462187, gnomAD 0.007%). This variant has not been reported in the literature in individuals affected with ZNF513-related conditions. ClinVar contains an entry for this variant (Variation ID: 955603). An algorithm developed to predict the effect of missense changes on protein structure and function (PolyPhen-2) suggests that this variant is likely to be disruptive. In summary, the available evidence is currently insufficient to determine the role of this variant in disease. Therefore, it has been classified as a Variant of Uncertain Significance.

Ambry Genetics
Classification: Uncertain significance. Last evaluated: 2024-12-11. Review status: criteria provided, single submitter. Criteria: Ambry Variant Classification Scheme 2023. Collection method: clinical testing. Allele origin: germline.

Blueprint Genetics
Classification: Uncertain significance. Last evaluated: 2022-05-18. Review status: criteria provided, single submitter. Criteria: ACMG Guidelines, 2015. Collection method: clinical testing. Allele origin: germline.

NM_144631.6(ZNF513):c.896T>A (p.Leu299His)

Gene: ZNF513 (zinc finger protein 513; minus strand). Cytogenetic location: 2p23.3.
Variant type: single nucleotide variant.
Coding change: c.896T>A on transcript NM_144631.6 (MANE Select); coding-DNA position 896, T replaced by A.
Protein change: p.Leu299His; replaces leucine 299 with histidine.
Molecular consequence: missense variant.
Genome position (GRCh38, 1-based): chr2:27,378,275, A>T on the plus strand (T>A on the coding strand, the complement: ZNF513 is on the minus strand). VCF-style: chr2-27378275-A-T. GRCh37 (hg19) VCF-style: chr2-27601142-A-T.
Other names: c.710T>A, p.Leu237His (NM_001201459.2); short protein forms L299H, L237H.
Identifiers: ClinVar variation 955603 (VCV000955603.11), dbSNP rs377462187, ClinGen allele CA1577905.